The following is an entry in ClinVar:

ClinVar aggregate classification (germline): Likely benign (1 of 4 stars; one submission).

Conditions:
Fraser syndrome 1 (FRASRS1). Also called: CRYPTOPHTHALMOS WITH OTHER MALFORMATIONS. Identifiers: Orphanet 2052, MedGen C4551480, MONDO:0054737, OMIM 219000.

Allele frequency attached by ClinVar (database versions not stated): 1000 Genomes Project 30x 0.00047; 1000 Genomes Project 0.00060; TOPMed 0.00117; gnomAD 0.00119 and 0.00125.

Submission:

Illumina Laboratory Services, Illumina
Classification: Likely benign for Fraser syndrome 1. Last evaluated: 2018-01-13. Review status: criteria provided, single submitter. Criteria: ICSL Variant Classification Criteria 13 December 2019. Collection method: clinical testing. Allele origin: germline.
Comment: This variant was observed in the ICSL laboratory as part of a predisposition screen in an ostensibly healthy population. It had not been previously curated by ICSL or reported in the Human Gene Mutation Database (HGMD: prior to June 1st, 2018), and was therefore a candidate for classification through an automated scoring system. Utilizing variant allele frequency, disease prevalence and penetrance estimates, and inheritance mode, an automated score was calculated to assess if this variant is too frequent to cause the disease. Based on the score and internal cut-off values, a variant classified as likely benign is not then subjected to further curation. The score for this variant resulted in a classification of likely benign for this disease.

NM_025074.7(FRAS1):c.*2324G>A

Gene: FRAS1 (Fraser extracellular matrix complex subunit 1; plus strand). Cytogenetic location: 4q21.21.
Variant type: single nucleotide variant.
Coding change: c.*2324G>A on transcript NM_025074.7 (MANE Select); 2324 bases downstream of the stop codon, G replaced by A.
Molecular consequence: 3 prime UTR variant.
Genome position (GRCh38, 1-based): chr4:78,543,448, G>A. VCF-style: chr4-78543448-G-A. GRCh37 (hg19) VCF-style: chr4-79464602-G-A.
Identifiers: ClinVar variation 349858 (VCV000349858.5), dbSNP rs186095111, ClinGen allele CA10621792.